The following is an entry in ClinVar:

NM_004655.4(AXIN2):c.2027C>T (p.Ala676Val)

Gene: AXIN2 (axin 2; minus strand). Cytogenetic location: 17q24.1.
Variant type: single nucleotide variant.
Coding change: c.2027C>T on transcript NM_004655.4 (MANE Select); coding-DNA position 2027, C replaced by T.
Protein change: p.Ala676Val; replaces alanine 676 with valine.
Molecular consequence: missense variant.
Genome position (GRCh38, 1-based): chr17:65,536,434, G>A on the plus strand (C>T on the coding strand, the complement: AXIN2 is on the minus strand). VCF-style: chr17-65536434-G-A. GRCh37 (hg19) VCF-style: chr17-63532552-G-A.
Other names: c.1832C>T, p.Ala611Val (NM_001363813.1); short protein forms A611V, A676V.
Identifiers: ClinVar variation 1410711 (VCV001410711.11), dbSNP rs1030272364, ClinGen allele CA293097787.

ClinVar aggregate classification (germline): Uncertain significance. Review status: criteria provided, multiple submitters, no conflicts (2 of 4 stars). 2 submissions from 2 submitters: Uncertain significance (2). Last evaluated 2025-06-11.

Conditions:
Oligodontia-cancer predisposition syndrome. Also called: TOOTH AGENESIS-COLORECTAL CANCER SYNDROME. Identifiers: Orphanet 300576, MedGen C1837750, MONDO:0012075, OMIM 608615. Disease mechanism: loss of function.
Hereditary cancer-predisposing syndrome. Also called: Hereditary Cancer Syndrome; Tumor predisposition; Hereditary neoplastic syndrome; Neoplastic Syndromes, Hereditary. Identifiers: Orphanet 140162, MedGen C0027672, MeSH D009386, MONDO:0015356.

Allele frequency attached by ClinVar (database versions not stated): TOPMed below 0.00001.
gnomAD v4.1: 1 of 1,613,456 alleles (0.000062%); highest among the groups gnomAD compares: East Asian, 0.0022%; no homozygotes.

Submissions (2):

Labcorp Genetics (formerly Invitae), Labcorp
Classification: Uncertain significance for Oligodontia-cancer predisposition syndrome. Last evaluated: 2025-06-11. Review status: criteria provided, single submitter. Criteria: Invitae Variant Classification Sherloc (09022015). Collection method: clinical testing. Allele origin: germline.
Comment: This sequence change replaces alanine, which is neutral and non-polar, with valine, which is neutral and non-polar, at codon 676 of the AXIN2 protein (p.Ala676Val). This variant is not present in population databases (gnomAD no frequency). This variant has not been reported in the literature in individuals affected with AXIN2-related conditions. ClinVar contains an entry for this variant (Variation ID: 1410711). Invitae Evidence Modeling of protein sequence and biophysical properties (such as structural, functional, and spatial information, amino acid conservation, physicochemical variation, residue mobility, and thermodynamic stability) indicates that this missense variant is not expected to disrupt AXIN2 protein function with a negative predictive value of 80%. In summary, the available evidence is currently insufficient to determine the role of this variant in disease. Therefore, it has been classified as a Variant of Uncertain Significance.

Ambry Genetics
Classification: Uncertain significance for Hereditary cancer-predisposing syndrome. Last evaluated: 2024-04-16. Review status: criteria provided, single submitter. Criteria: Ambry Variant Classification Scheme 2023. Collection method: clinical testing. Allele origin: germline.
Comment: The p.A676V variant (also known as c.2027C>T), located in coding exon 7 of the AXIN2 gene, results from a C to T substitution at nucleotide position 2027. The alanine at codon 676 is replaced by valine, an amino acid with similar properties. This amino acid position is conserved. In addition, this alteration is predicted to be tolerated by in silico analysis. Since supporting evidence is limited at this time, the clinical significance of this alteration remains unclear.